The following is an entry in ClinVar:

ClinVar aggregate classification (germline): Likely pathogenic (1 of 4 stars; one submission).

Conditions:
Charcot-Marie-Tooth disease, type I (CMT1). Also called: Charcot-Marie-Tooth disease type 1; Charcot-Marie-Tooth, Type 1. Identifiers: Orphanet 65753, MedGen C0751036, MONDO:0019011.

Submission:

Labcorp Genetics (formerly Invitae), Labcorp
Classification: Likely pathogenic for Charcot-Marie-Tooth disease, type I. Last evaluated: 2024-10-21. Review status: criteria provided, single submitter. Criteria: Invitae Variant Classification Sherloc (09022015). Collection method: clinical testing. Allele origin: germline.
Comment: This sequence change affects an acceptor splice site in intron 2 of the MPZ gene. It is expected to disrupt RNA splicing. Variants that disrupt the donor or acceptor splice site typically lead to a loss of protein function (PMID: 16199547), and loss-of-function variants in MPZ are known to be pathogenic (PMID: 14711881). This variant is not present in population databases (gnomAD no frequency). Disruption of this splice site has been observed in individual(s) with Charcot-Marie-Tooth disease (PMID: 25614874, 33179255). Algorithms developed to predict the effect of sequence changes on RNA splicing suggest that this variant may disrupt the consensus splice site. In summary, the currently available evidence indicates that the variant is pathogenic, but additional data are needed to prove that conclusively. Therefore, this variant has been classified as Likely Pathogenic.

Literature cited by the submitters: PubMed 16199547; PubMed 14711881; PubMed 25614874; PubMed 33179255.

NM_000530.8(MPZ):c.235-2A>C

Gene: MPZ (myelin protein zero; minus strand). Cytogenetic location: 1q23.3.
Variant type: single nucleotide variant.
Coding change: c.235-2A>C on transcript NM_000530.8 (MANE Select); the canonical splice acceptor site of the intron before coding-DNA position 235, A replaced by C.
Molecular consequence: splice acceptor variant.
Genome position (GRCh38, 1-based): chr1:161,306,923, T>G on the plus strand (A>C on the coding strand, the complement: MPZ is on the minus strand). VCF-style: chr1-161306923-T-G. GRCh37 (hg19) VCF-style: chr1-161276713-T-G.
Other names: c.235-2A>C (NM_001315491.2).
Identifiers: ClinVar variation 3720256 (VCV003720256.2).
Genomic context (GRCh38, chr1:161,306,923, plus strand): 5'-CGCTCTTTGAAGGTCCCCACCTCGTCAATGTAGGGTTGTCCCTTGGCATAGTGGAAGATC[T>G]ATGAGGAATGAGGGGAAGCATGTGAGAGGACCCTAATGAGAACACAGCTGTCAAAGCTTA-3'